The following is an entry in ClinVar:

NM_000485.3(APRT):c.472_474del (p.Glu158del)

Gene: APRT (adenine phosphoribosyltransferase; minus strand). Cytogenetic location: 16q24.3.
Variant type: Deletion.
Coding change: c.472_474del on transcript NM_000485.3 (MANE Select); coding-DNA positions 472 to 474, 3 bases deleted (GAG; older notation c.472_474delGAG).
Protein change: p.Glu158del; deletes glutamic acid 158.
Molecular consequence: inframe deletion. On other transcripts: intron variant (1).
Genome position (GRCh38, 1-based): chr16:88,809,767-88,809,769, CTC deleted on the plus strand (GAG on the coding strand, the reverse complement: APRT is on the minus strand); deleting any 3 consecutive bases within chr16:88,809,767-88,809,770 gives the same sequence; the c. name uses the placement nearest the transcript's 3' end. VCF-style (leftmost placement, unchanged base first): chr16-88809766-GCTC-G. GRCh37 (hg19) VCF-style: chr16-88876174-GCTC-G.
Other names: c.401-63_401-61del (NM_001030018.2); c.472_474delGAG (NM_000485.3); short protein forms E158del.
Identifiers: ClinVar variation 988068 (VCV000988068.2), dbSNP rs1909037144, ClinGen allele CA1139664902.

ClinVar aggregate classification (germline): Pathogenic. Review status: criteria provided, single submitter (1 of 4 stars). 2 submissions from 2 submitters: Pathogenic (1). 1 of the submissions does not count toward it. Last evaluated 2025-10-03.

Conditions:
Adenine phosphoribosyltransferase deficiency (APRTD). Also called: APRT DEFICIENCY; NEPHROLITHIASIS, DHA; Urolithiasis, dha; 2,8-dihydroxyadenine urolithiasis. Identifiers: Orphanet 976, MedGen C0268120, MONDO:0013869, OMIM 614723.

Submissions (2):

Rare Kidney Stone Consortium and the Mayo Clinic Hyperoxaluria Center, Mayo Clinic
Classification: Pathogenic for Adenine phosphoribosyltransferase deficiency. Last evaluated: 2025-10-03. Review status: criteria provided, single submitter. Criteria: ACMG Guidelines, 2015. Collection method: research. Allele origin: germline. Affected: yes. Observed: 1 variant allele.
Comment: ACMG:PM1, PM2, PM4, PP5

APRT Deficiency Research Program of the Rare Kidney Stone Consortium, Landspitali, National University Hospital of Iceland
Classification: Pathogenic for Adenine phosphoribosyltransferase deficiency. Last evaluated: 2020-09-01. Review status: no assertion criteria provided. Collection method: literature only. Allele origin: germline. Affected: yes. Not counted in ClinVar's aggregate classification.

Literature cited by the submitters: PubMed 20150536 (cited by Rare Kidney Stone Consortium and the Mayo Clinic Hyperoxaluria Center, Mayo Clinic and APRT Deficiency Research Program of the Rare Kidney Stone Consortium, Landspitali, National University Hospital of Iceland); PubMed 33707627 (cited by Rare Kidney Stone Consortium and the Mayo Clinic Hyperoxaluria Center, Mayo Clinic); PubMed 40794449 (cited by Rare Kidney Stone Consortium and the Mayo Clinic Hyperoxaluria Center, Mayo Clinic).